The following is an entry in ClinVar:

ClinVar aggregate classification (germline): Uncertain significance (1 of 4 stars; one submission).

Conditions:
Hereditary cancer-predisposing syndrome. Also called: Neoplastic Syndromes, Hereditary; Tumor predisposition; Hereditary Cancer Syndrome; Hereditary neoplastic syndrome. Identifiers: Orphanet 140162, MedGen C0027672, MeSH D009386, MONDO:0015356.

Submission:

Ambry Genetics
Classification: Uncertain significance for Hereditary cancer-predisposing syndrome. Last evaluated: 2025-06-15. Review status: criteria provided, single submitter. Criteria: Ambry Variant Classification Scheme 2023. Collection method: clinical testing. Allele origin: germline.
Comment: The p.V614A variant (also known as c.1841T>C), located in coding exon 9 of the BARD1 gene, results from a T to C substitution at nucleotide position 1841. The valine at codon 614 is replaced by alanine, an amino acid with similar properties. This amino acid position is conserved. In addition, this alteration is predicted to be tolerated by in silico analysis. Based on the available evidence, the clinical significance of this variant remains unclear.

NM_000465.4(BARD1):c.1841T>C (p.Val614Ala)

Gene: BARD1 (BRCA1 associated RING domain 1; minus strand). Cytogenetic location: 2q35.
Variant type: single nucleotide variant.
Coding change: c.1841T>C on transcript NM_000465.4 (MANE Select); coding-DNA position 1841, T replaced by C.
Protein change: p.Val614Ala; replaces valine 614 with alanine.
Molecular consequence: missense variant. On other transcripts: non-coding transcript variant (3), intron variant (1).
Genome position (GRCh38, 1-based): chr2:214,745,129, A>G on the plus strand (T>C on the coding strand, the complement: BARD1 is on the minus strand). VCF-style: chr2-214745129-A-G. GRCh37 (hg19) VCF-style: chr2-215609853-A-G.
Other names: c.1784T>C, p.Val595Ala (NM_001282543.2); c.488T>C, p.Val163Ala (NM_001282545.2); c.431T>C, p.Val144Ala (NM_001282548.2); c.365-14621T>C (NM_001282549.2); short protein forms V595A, V614A, V163A, V144A.
Identifiers: ClinVar variation 4195985 (VCV004195985.1).
Genomic context (GRCh38, chr2:214,745,129, plus strand): 5'-TCAAATTTTAGAATCCAGCATCCATTGAGAATCCCAAGCATACACTTCAAGGTACTTTGA[A>G]CTGCATCACCAGGAACAACAACATGAGTTACTAAAATACAAAAAAAGCAGTAAGAGAAAG-3'
Protein context (NP_000456.2, residues 604-624): VTHVVVPGDA[Val614Ala]QSTLKCMLGI